The following is an entry in ClinVar:

NM_020297.4(ABCC9):c.2856C>T (p.Asp952=)

Gene: ABCC9 (ATP binding cassette subfamily C member 9; minus strand). Cytogenetic location: 12p12.1.
Variant type: single nucleotide variant.
Coding change: c.2856C>T on transcript NM_020297.4 (MANE Select); coding-DNA position 2856, C replaced by T.
Protein change: p.Asp952=; no amino-acid change (aspartic acid 952 retained).
Molecular consequence: synonymous variant.
Genome position (GRCh38, 1-based): chr12:21,848,160, G>A on the plus strand (C>T on the coding strand, the complement: ABCC9 is on the minus strand). VCF-style: chr12-21848160-G-A. GRCh37 (hg19) VCF-style: chr12-22001094-G-A.
Other names: c.2856C>T, p.Asp952= (NM_001377273.1, NM_005691.4); c.1989C>T, p.Asp663= (NM_001377274.1).
Identifiers: ClinVar variation 516451 (VCV000516451.13), dbSNP rs758697683, ClinGen allele CA6481268.

ClinVar aggregate classification (germline): Likely benign. Review status: criteria provided, multiple submitters, no conflicts (2 of 4 stars). 3 submissions from 3 submitters: Likely benign (3). Last evaluated 2026-01-11.

Conditions:
Dilated cardiomyopathy 1O (CMD1O). Also called: CARDIOMYOPATHY, DILATED, WITH VENTRICULAR TACHYCARDIA. Identifiers: Orphanet 154, MedGen C1837839, MONDO:0012062, OMIM 608569.
Cardiovascular phenotype. Identifiers: MedGen CN230736.

Allele frequency attached by ClinVar (database versions not stated): ExAC 0.00002; gnomAD exomes 0.00003; gnomAD 0.00007; TOPMed 0.00007.
gnomAD v4.1: 30 of 1,613,170 alleles (0.0019%); highest among the groups gnomAD compares: African/African-American, 0.025%; no homozygotes.

Submissions (3):

Labcorp Genetics (formerly Invitae), Labcorp
Classification: Likely benign for Dilated cardiomyopathy 1O. Last evaluated: 2026-01-11. Review status: criteria provided, single submitter. Criteria: Invitae Variant Classification Sherloc (09022015). Collection method: clinical testing. Allele origin: germline.

Ambry Genetics
Classification: Likely benign for Cardiovascular phenotype. Last evaluated: 2022-05-30. Review status: criteria provided, single submitter. Criteria: Ambry Variant Classification Scheme 2023. Collection method: clinical testing. Allele origin: germline.

GeneDx
Classification: Likely benign. Last evaluated: 2017-04-13. Review status: criteria provided, single submitter. Criteria: GeneDx Variant Classification (06012015). Collection method: clinical testing. Allele origin: germline. Affected: yes.
Comment: This variant is considered likely benign or benign based on one or more of the following criteria: it is a conservative change, it occurs at a poorly conserved position in the protein, it is predicted to be benign by multiple in silico algorithms, and/or has population frequency not consistent with disease.